The following is an entry in ClinVar:

NM_002655.3(PLAG1):c.278A>T (p.Lys93Met)

Genes: PLAG1 (PLAG1 zinc finger; minus strand), LOC126860395 (BRD4-independent group 4 enhancer GRCh37_chr8:57079228-57080427; plus strand). Cytogenetic location: 8q12.1.
Variant type: single nucleotide variant.
Coding change: c.278A>T on transcript NM_002655.3 (MANE Select); coding-DNA position 278, A replaced by T.
Protein change: p.Lys93Met; replaces lysine 93 with methionine.
Molecular consequence: missense variant.
Genome position (GRCh38, 1-based): chr8:56,167,468, T>A on the plus strand (A>T on the coding strand, the complement: PLAG1 is on the minus strand). VCF-style: chr8-56167468-T-A. GRCh37 (hg19) VCF-style: chr8-57080027-T-A.
Other names: c.278A>T, p.Lys93Met (NM_001114634.2); c.32A>T, p.Lys11Met (NM_001114635.2); short protein forms K11M, K93M.
Identifiers: ClinVar variation 3045787 (VCV003045787.2), dbSNP rs77315395, ClinGen allele CA4754936.

ClinVar aggregate classification (germline): Likely benign (0 of 4 stars; one submission).

Conditions:
PLAG1-related disorder. Also called: PLAG1-related condition.

Allele frequency attached by ClinVar (database versions not stated): 1000 Genomes Project 0.00040; 1000 Genomes Project 30x 0.00047; ESP Exome Variant Server 0.00085; TOPMed 0.00094; gnomAD 0.00109; gnomAD exomes 0.00137; ExAC 0.00147.
gnomAD v4.1: 2,140 of 1,611,896 alleles (0.13%); highest among the groups gnomAD compares: Non-Finnish European, 0.16%; 5 homozygotes.

Submission:

PreventionGenetics, part of Exact Sciences
Classification: Likely benign for PLAG1-related condition. Last evaluated: 2022-02-03. Review status: no assertion criteria provided. Collection method: clinical testing. Allele origin: germline.
Comment: This variant is classified as likely benign based on ACMG/AMP sequence variant interpretation guidelines (Richards et al. 2015 PMID: 25741868, with internal and published modifications).